The following is an entry in ClinVar:

ClinVar aggregate classification (germline): Benign/Likely benign. Review status: criteria provided, multiple submitters, no conflicts (2 of 4 stars). 6 submissions from 6 submitters: Benign (4); Likely benign (1). 1 of the submissions does not count toward it. Last evaluated 2026-02-03.

Conditions:
Microcephaly-intellectual disability-sensorineural hearing loss-epilepsy-abnormal muscle tone syndrome (NEDHSB). Also called: NEURODEVELOPMENTAL DISORDER WITH HEARING LOSS, SEIZURES, AND BRAIN ABNORMALITIES. Identifiers: Orphanet 457351, MedGen C4225276, MONDO:0014698, OMIM 616577.
AFG2A-related disorder. Also called: AFG2A-related condition.

Allele frequency attached by ClinVar (database versions not stated): TOPMed 0.00768; ESP Exome Variant Server 0.00830; gnomAD 0.00855 and 0.00922; 1000 Genomes Project 30x 0.00937; 1000 Genomes Project 0.00978.
gnomAD v4.1: 18,452 of 1,614,198 alleles (1.1%); highest among the groups gnomAD compares: South Asian, 2.9%; 158 homozygotes.

Submissions (6):

Labcorp Genetics (formerly Invitae), Labcorp
Classification: Benign for Microcephaly-intellectual disability-sensorineural hearing loss-epilepsy-abnormal muscle tone syndrome. Last evaluated: 2026-02-03. Review status: criteria provided, single submitter. Criteria: Invitae Variant Classification Sherloc (09022015). Collection method: clinical testing. Allele origin: germline.

Mayo Clinic Laboratories, Mayo Clinic
Classification: Benign. Last evaluated: 2024-10-16. Review status: criteria provided, single submitter. Criteria: ACMG Guidelines, 2015. Collection method: clinical testing. Allele origin: germline. Observed: 12 variant alleles.
Comment: BA1, BS2, BP4, BP7

GeneDx
Classification: Benign. Last evaluated: 2021-08-17. Review status: criteria provided, single submitter. Criteria: GeneDx Variant Classification Process June 2021. Collection method: clinical testing. Allele origin: germline. Affected: yes.

Fulgent Genetics
Classification: Likely benign for Microcephaly-intellectual disability-sensorineural hearing loss-epilepsy-abnormal muscle tone syndrome. Last evaluated: 2021-07-19. Review status: criteria provided, single submitter. Criteria: ACMG Guidelines, 2015. Collection method: clinical testing. Allele origin: unknown.

Athena Diagnostics
Classification: Benign. Last evaluated: 2018-02-09. Review status: criteria provided, single submitter. Criteria: Athena Diagnostics Criteria. Collection method: clinical testing. Allele origin: germline.

PreventionGenetics, part of Exact Sciences
Classification: Benign for AFG2A-related condition. Last evaluated: 2019-08-07. Review status: no assertion criteria provided. Collection method: clinical testing. Allele origin: germline. Not counted in ClinVar's aggregate classification.
Comment: This variant is classified as benign based on ACMG/AMP sequence variant interpretation guidelines (Richards et al. 2015 PMID: 25741868, with internal and published modifications).

NM_145207.3(AFG2A):c.1785G>T (p.Val595=)

Gene: AFG2A (AAA ATPase AFG2A; plus strand). Cytogenetic location: 4q28.1.
Variant type: single nucleotide variant.
Coding change: c.1785G>T on transcript NM_145207.3 (MANE Select); coding-DNA position 1785, G replaced by T.
Protein change: p.Val595=; no amino-acid change (valine 595 retained).
Molecular consequence: synonymous variant.
Genome position (GRCh38, 1-based): chr4:122,979,302, G>T. VCF-style: chr4-122979302-G-T. GRCh37 (hg19) VCF-style: chr4-123900457-G-T.
Other names: p.Val595=; c.1782G>T, p.Val594= (NM_001317799.2, NM_001345856.2).
Identifiers: ClinVar variation 475723 (VCV000475723.15), dbSNP rs62324113, ClinGen allele CA3070544.